The following is an entry in ClinVar:

ClinVar aggregate classification (germline): Uncertain significance. Review status: criteria provided, multiple submitters, no conflicts (2 of 4 stars). 4 submissions from 4 submitters: Uncertain significance (4). Last evaluated 2026-06-26.

Conditions:
Inborn genetic diseases. Identifiers: MedGen C0950123, MeSH D030342.
ITGB3-related disorder. Also called: ITGB3-related condition.

gnomAD v4.1: 18 of 1,613,684 alleles (0.0011%); highest among the groups gnomAD compares: Non-Finnish European, 0.0015%; no homozygotes.

Submissions (4):

PreventionGenetics, part of Exact Sciences
Classification: Uncertain significance for ITGB3-related condition. Last evaluated: 2026-06-26. Review status: criteria provided, single submitter. Criteria: ACMG Guidelines, 2015. Collection method: clinical testing. Allele origin: germline.
Comment: The ITGB3 c.1109T>C variant is predicted to result in the amino acid substitution p.Ile370Thr. To our knowledge, this variant has not been reported in the literature. This variant is reported in 0.0018% of alleles in individuals of European (Non-Finnish) descent in gnomAD. At this time, the clinical significance of this variant is uncertain due to the absence of conclusive functional and genetic evidence.

Ambry Genetics
Classification: Uncertain significance for Inborn genetic diseases. Last evaluated: 2025-12-29. Review status: criteria provided, single submitter. Criteria: Ambry Variant Classification Scheme 2023. Collection method: clinical testing. Allele origin: germline.
Comment: The c.1109T>C (p.I370T) alteration is located in exon 8 (coding exon 8) of the ITGB3 gene. This alteration results from a T to C substitution at nucleotide position 1109, causing the isoleucine (I) at amino acid position 370 to be replaced by a threonine (T). Based on data from gnomAD, the C allele has an overall frequency of 0.001% (2/251486) total alleles studied. The highest observed frequency was 0.002% (2/113762) of European (non-Finnish) alleles. Based on insufficient or conflicting evidence, the clinical significance of this alteration remains unclear.

Women's Health and Genetics/Laboratory Corporation of America, LabCorp
Classification: Uncertain significance. Last evaluated: 2024-09-04. Review status: criteria provided, single submitter. Criteria: LabCorp Variant Classification Summary - May 2015. Collection method: clinical testing. Allele origin: germline.
Comment: Variant summary: ITGB3 c.1109T>C (p.Ile370Thr) results in a non-conservative amino acid change located in the Integrin beta subunit, VWA domain (IPR002369) of the encoded protein sequence. Five of five in-silico tools predict a damaging effect of the variant on protein function. The variant allele was found at a frequency of 8e-06 in 251486 control chromosomes. The available data on variant occurrences in the general population are insufficient to allow any conclusion about variant significance. To our knowledge, no occurrence of c.1109T>C in individuals affected with Glanzmann Thrombasthenia 2 and no experimental evidence demonstrating its impact on protein function have been reported. No submitters have cited clinical-significance assessments for this variant to ClinVar. Based on the evidence outlined above, the variant was classified as uncertain significance.

Mayo Clinic Laboratories, Mayo Clinic
Classification: Uncertain significance. Last evaluated: 2023-10-26. Review status: criteria provided, single submitter. Criteria: ACMG Guidelines, 2015. Collection method: clinical testing. Allele origin: germline. Observed: 1 variant allele.
Comment: PP3, PM1_supporting, PM2_moderate

NM_000212.3(ITGB3):c.1109T>C (p.Ile370Thr)

Gene: ITGB3 (integrin subunit beta 3; plus strand). Cytogenetic location: 17q21.32.
Variant type: single nucleotide variant.
Coding change: c.1109T>C on transcript NM_000212.3 (MANE Select); coding-DNA position 1109, T replaced by C.
Protein change: p.Ile370Thr; replaces isoleucine 370 with threonine.
Molecular consequence: missense variant.
Genome position (GRCh38, 1-based): chr17:47,290,258, T>C. VCF-style: chr17-47290258-T-C. GRCh37 (hg19) VCF-style: chr17-45367624-T-C.
Other names: p.Ile370Thr; short protein forms I370T.
Identifiers: ClinVar variation 3375087 (VCV003375087.4).